The following is an entry in ClinVar:

NM_004369.4(COL6A3):c.8172G>T (p.Glu2724Asp)

Gene: COL6A3 (collagen type VI alpha 3 chain; minus strand). Cytogenetic location: 2q37.3.
Variant type: single nucleotide variant.
Coding change: c.8172G>T on transcript NM_004369.4 (MANE Select); coding-DNA position 8172, G replaced by T.
Protein change: p.Glu2724Asp; replaces glutamic acid 2724 with aspartic acid.
Molecular consequence: missense variant.
Genome position (GRCh38, 1-based): chr2:237,340,744, C>A on the plus strand (G>T on the coding strand, the complement: COL6A3 is on the minus strand). VCF-style: chr2-237340744-C-A. GRCh37 (hg19) VCF-style: chr2-238249387-C-A.
Other names: c.6351G>T, p.Glu2117Asp (NM_057166.5); c.7554G>T, p.Glu2518Asp (NM_057167.4); short protein forms E2117D, E2518D, E2724D.
Identifiers: ClinVar variation 3907487 (VCV003907487.1).

ClinVar aggregate classification (germline): Uncertain significance (1 of 4 stars; one submission).

Submission:

Women's Health and Genetics/Laboratory Corporation of America, LabCorp
Classification: Uncertain significance. Last evaluated: 2025-06-26. Review status: criteria provided, single submitter. Criteria: LabCorp Variant Classification Summary - May 2015. Collection method: clinical testing. Allele origin: germline.
Comment: Variant summary: COL6A3 c.8172G>T (p.Glu2724Asp) results in a conservative amino acid change in the encoded protein sequence. Algorithms developed to predict the effect of missense changes on protein structure and function all suggest that this variant is likely to be tolerated. The variant was absent in 251148 control chromosomes. The available data on variant occurrences in the general population are insufficient to allow any conclusion about variant significance. To our knowledge, no occurrence of c.8172G>T in individuals affected with Ullrich congenital muscular dystrophy and no experimental evidence demonstrating its impact on protein function have been reported. No submitters have cited clinical-significance assessments for this variant to ClinVar. Based on the evidence outlined above, the variant was classified as uncertain significance.